The following is an entry in ClinVar:

ClinVar aggregate classification (germline): Uncertain significance (1 of 4 stars; one submission).

gnomAD v4.1: 4 of 1,614,074 alleles (0.00025%); highest among the groups gnomAD compares: Non-Finnish European, 0.00034%; no homozygotes.

Submission:

Ambry Genetics
Classification: Uncertain significance. Last evaluated: 2026-03-19. Review status: criteria provided, single submitter. Criteria: Ambry Variant Classification Scheme 2023. Collection method: clinical testing. Allele origin: germline.
Comment: The p.G415E variant (also known as c.1244G>A), located in coding exon 8 of the ATRIP gene, results from a G to A substitution at nucleotide position 1244. The glycine at codon 415 is replaced by glutamic acid, an amino acid with similar properties. This amino acid position is conserved. In addition, the in silico prediction for this alteration is inconclusive. Based on the available evidence, the clinical significance of this variant remains unclear.

NM_130384.3(ATRIP):c.1244G>A (p.Gly415Glu)

Genes: ATRIP (ATR interacting protein; plus strand), ATRIP-TREX1 (ATRIP-TREX1 readthrough; plus strand). Cytogenetic location: 3p21.31.
Variant type: single nucleotide variant.
Coding change: c.1244G>A on transcript NM_130384.3 (MANE Select); coding-DNA position 1244, G replaced by A.
Protein change: p.Gly415Glu; replaces glycine 415 with glutamic acid.
Molecular consequence: missense variant. On other transcripts: non-coding transcript variant (1).
Genome position (GRCh38, 1-based): chr3:48,460,298, G>A. VCF-style: chr3-48460298-G-A. GRCh37 (hg19) VCF-style: chr3-48501697-G-A.
Other names: c.863G>A, p.Gly288Glu (NM_001271022.2); c.965G>A, p.Gly322Glu (NM_001271023.2); c.1244G>A, p.Gly415Glu (NM_032166.4); short protein forms G288E, G322E, G415E.
Identifiers: ClinVar variation 4867189 (VCV004867189.1).